The following is an entry in ClinVar:

ClinVar aggregate classification (germline): Uncertain significance. Review status: criteria provided, multiple submitters, no conflicts (2 of 4 stars). 4 submissions from 4 submitters: Uncertain significance (4). Last evaluated 2026-07-01.

Conditions:
Familial isolated arrhythmogenic right ventricular dysplasia. Identifiers: Orphanet 217656, MedGen C4274968, MONDO:0016342.
Cardiomyopathy (CMYO). Also called: Cardiomyopathies. Identifiers: Orphanet 167848, MedGen C0878544, MONDO:0004994, HP:0001638. Inheritance: Various modes of inheritance.
Arrhythmogenic right ventricular dysplasia 11. Also called: Arrhythmogenic Right Ventricular Dysplasia/Cardiomyopathy11; ARRHYTHMOGENIC RIGHT VENTRICULAR DYSPLASIA, FAMILIAL, 11; Arrhythmogenic right ventricular dysplasia 11 with mild palmoplantar keratoderma and woolly hair. Identifiers: MedGen C1864850, MONDO:0012506, OMIM 610476.
Cardiovascular phenotype. Identifiers: MedGen CN230736.

gnomAD v4.1: 2 of 1,613,958 alleles (0.00012%); highest among the groups gnomAD compares: Non-Finnish European, 0.00017%; no homozygotes.

Submissions (4):

Ambry Genetics
Classification: Uncertain significance for Cardiovascular phenotype. Last evaluated: 2026-07-01. Review status: criteria provided, single submitter. Criteria: Ambry Variant Classification Scheme 2023. Collection method: clinical testing. Allele origin: germline.
Comment: The p.Y167S variant (also known as c.500A>C), located in coding exon 5 of the DSC2 gene, results from an A to C substitution at nucleotide position 500. The tyrosine at codon 167 is replaced by serine, an amino acid with dissimilar properties. This amino acid position is conserved. In addition, the in silico prediction for this alteration is inconclusive. Based on the available evidence, the clinical significance of this variant remains unclear.

Color Diagnostics, LLC DBA Color Health
Classification: Uncertain significance for Cardiomyopathy. Last evaluated: 2024-03-06. Review status: criteria provided, single submitter. Criteria: ACMG Guidelines, 2015. Collection method: clinical testing. Allele origin: germline.
Comment: This missense variant replaces tyrosine with serine at codon 167 of the DSC2 protein. Computational prediction suggests that this variant may not impact protein structure and function (internally defined REVEL score threshold <= 0.5, PMID: 27666373). To our knowledge, functional studies have not been reported for this variant. This variant has not been reported in individuals affected with DSC2-related disorders in the literature. This variant has not been identified in the general population by the Genome Aggregation Database (gnomAD). The available evidence is insufficient to determine the role of this variant in disease conclusively. Therefore, this variant is classified as a Variant of Uncertain Significance.

Labcorp Genetics (formerly Invitae), Labcorp
Classification: Uncertain significance for Arrhythmogenic right ventricular dysplasia 11. Last evaluated: 2024-01-11. Review status: criteria provided, single submitter. Criteria: Invitae Variant Classification Sherloc (09022015). Collection method: clinical testing. Allele origin: germline.
Comment: This sequence change replaces tyrosine, which is neutral and polar, with serine, which is neutral and polar, at codon 167 of the DSC2 protein (p.Tyr167Ser). This variant is not present in population databases (gnomAD no frequency). This variant has not been reported in the literature in individuals affected with DSC2-related conditions. ClinVar contains an entry for this variant (Variation ID: 916449). Advanced modeling of protein sequence and biophysical properties (such as structural, functional, and spatial information, amino acid conservation, physicochemical variation, residue mobility, and thermodynamic stability) performed at Invitae indicates that this missense variant is expected to disrupt DSC2 protein function with a positive predictive value of 80%. In summary, the available evidence is currently insufficient to determine the role of this variant in disease. Therefore, it has been classified as a Variant of Uncertain Significance.

All of Us Research Program, National Institutes of Health
Classification: Uncertain significance for Familial isolated arrhythmogenic right ventricular dysplasia. Last evaluated: 2023-10-27. Review status: criteria provided, single submitter. Criteria: ACMG Guidelines, 2015. Collection method: clinical testing. Allele origin: germline. Inheritance: Autosomal dominant inheritance. Observed: 3 variant alleles, 3 heterozygotes.
Comment: This missense variant replaces tyrosine with serine at codon 167 of the DSC2 protein. Computational prediction suggests that this variant may not impact protein structure and function (internally defined REVEL score threshold <= 0.5, PMID: 27666373). Splice site prediction tools suggest that this variant may not impact RNA splicing. To our knowledge, functional studies have not been performed for this variant. This variant has not been reported in individuals affected with cardiovascular disorders in the literature. This variant has not been identified in the general population by the Genome Aggregation Database (gnomAD). The available evidence is insufficient to determine the role of this variant in disease conclusively. Therefore, this variant is classified as a Variant of Uncertain Significance.

This study involves interpretation of variants in research participants for the purpose of population health screening. Participant phenotype was not available at the time of variant classification. Additional details can be found in publication PMID: 35346344, PMCID: PMC8962531

NM_024422.6(DSC2):c.500A>C (p.Tyr167Ser)

Gene: DSC2 (desmocollin 2; minus strand). Cytogenetic location: 18q12.1.
Variant type: single nucleotide variant.
Coding change: c.500A>C on transcript NM_024422.6 (MANE Select); coding-DNA position 500, A replaced by C.
Protein change: p.Tyr167Ser; replaces tyrosine 167 with serine.
Molecular consequence: missense variant.
Genome position (GRCh38, 1-based): chr18:31,089,569, T>G on the plus strand (A>C on the coding strand, the complement: DSC2 is on the minus strand). VCF-style: chr18-31089569-T-G. GRCh37 (hg19) VCF-style: chr18-28669532-T-G.
Other names: c.500A>C, p.Tyr167Ser (NM_004949.5); short protein forms Y167S.
Identifiers: ClinVar variation 916449 (VCV000916449.19), dbSNP rs1987523408, ClinGen allele CA402113781.